The following is an entry in ClinVar:

ClinVar aggregate classification (germline): Conflicting classifications of pathogenicity. Review status: criteria provided, conflicting classifications (1 of 4 stars). 3 submissions from 3 submitters: Uncertain significance (2); Likely benign (1). Last evaluated 2025-02-13.

Conditions:
Developmental and epileptic encephalopathy, 9 (DEE9). Also called: PCDH19-Related X-Linked Female-Limited Epilepsy with Mental Retardation; Early infantile epileptic encephalopathy 9; EPILEPSY, FEMALE-RESTRICTED, WITH MENTAL RETARDATION; JUBERG-HELLMAN SYNDROME. Identifiers: Orphanet 101039, Orphanet 2076, MedGen C1848137, MONDO:0010246, OMIM 300088. Disease mechanism: loss of function.
Inborn genetic diseases. Identifiers: MedGen C0950123, MeSH D030342.

Allele frequency attached by ClinVar (database versions not stated): TOPMed below 0.00001; gnomAD 0.00001.

Submissions (3):

Labcorp Genetics (formerly Invitae), Labcorp
Classification: Uncertain significance for Developmental and epileptic encephalopathy, 9. Last evaluated: 2025-02-13. Review status: criteria provided, single submitter. Criteria: Invitae Variant Classification Sherloc (09022015). Collection method: clinical testing. Allele origin: germline.
Comment: This sequence change replaces proline, which is neutral and non-polar, with serine, which is neutral and polar, at codon 55 of the PCDH19 protein (p.Pro55Ser). This variant is not present in population databases (gnomAD no frequency). This variant has not been reported in the literature in individuals affected with PCDH19-related conditions. ClinVar contains an entry for this variant (Variation ID: 1719196). Invitae Evidence Modeling of protein sequence and biophysical properties (such as structural, functional, and spatial information, amino acid conservation, physicochemical variation, residue mobility, and thermodynamic stability) indicates that this missense variant is not expected to disrupt PCDH19 protein function with a negative predictive value of 95%. In summary, the available evidence is currently insufficient to determine the role of this variant in disease. Therefore, it has been classified as a Variant of Uncertain Significance.

CeGaT Center for Human Genetics Tuebingen
Classification: Uncertain significance. Last evaluated: 2024-05-01. Review status: criteria provided, single submitter. Criteria: CeGaT Center For Human Genetics Tuebingen Variant Classification Criteria Version 2. Collection method: clinical testing. Allele origin: germline. Affected: yes. Observed: 1 variant allele.
Comment: PCDH19: PP2, BP4

Ambry Genetics
Classification: Likely benign for Inborn genetic diseases. Last evaluated: 2018-07-09. Review status: criteria provided, single submitter. Criteria: Ambry Variant Classification Scheme 2023. Collection method: clinical testing. Allele origin: germline.

NM_001184880.2(PCDH19):c.163C>T (p.Pro55Ser)

Gene: PCDH19 (protocadherin 19; minus strand). Cytogenetic location: Xq22.1.
Variant type: single nucleotide variant.
Coding change: c.163C>T on transcript NM_001184880.2 (MANE Select); coding-DNA position 163, C replaced by T.
Protein change: p.Pro55Ser; replaces proline 55 with serine.
Molecular consequence: missense variant.
Genome position (GRCh38, 1-based): chrX:100,408,435, G>A on the plus strand (C>T on the coding strand, the complement: PCDH19 is on the minus strand). VCF-style: chrX-100408435-G-A. GRCh37 (hg19) VCF-style: chrX-99663433-G-A.
Other names: c.163C>T, p.Pro55Ser (NM_001105243.2, NM_020766.3); short protein forms P55S.
Identifiers: ClinVar variation 1719196 (VCV001719196.27), dbSNP rs774662487, ClinGen allele CA414011242.